The following is an entry in ClinVar:

NM_201384.3(PLEC):c.5060G>A (p.Arg1687Gln)

Gene: PLEC (plectin; minus strand). Cytogenetic location: 8q24.3.
Variant type: single nucleotide variant.
Coding change: c.5060G>A on transcript NM_201384.3 (MANE Select); coding-DNA position 5060, G replaced by A.
Protein change: p.Arg1687Gln; replaces arginine 1687 with glutamine.
Molecular consequence: missense variant.
Genome position (GRCh38, 1-based): chr8:143,924,869, C>T on the plus strand (G>A on the coding strand, the complement: PLEC is on the minus strand). VCF-style: chr8-143924869-C-T. GRCh37 (hg19) VCF-style: chr8-144999037-C-T.
Other names: c.5141G>A (NM_000445.3); c.5141G>A, p.Arg1714Gln (NM_000445.5); c.5018G>A, p.Arg1673Gln (NM_201378.4); c.4994G>A, p.Arg1665Gln (NM_201379.3); c.5471G>A, p.Arg1824Gln (NM_201380.4); c.4964G>A, p.Arg1655Gln (NM_201381.3); c.5060G>A, p.Arg1687Gln (NM_201382.4); c.5072G>A, p.Arg1691Gln (NM_201383.3); short protein forms R1673Q, R1691Q, R1687Q, R1824Q, R1665Q, R1714Q, R1655Q.
Identifiers: ClinVar variation 1912426 (VCV001912426.9), dbSNP rs563046387, ClinGen allele CA4926443.

ClinVar aggregate classification (germline): Uncertain significance. Review status: criteria provided, multiple submitters, no conflicts (2 of 4 stars). 3 submissions from 3 submitters: Uncertain significance (3). Last evaluated 2024-09-20.

Conditions:
Epidermolysis bullosa simplex 5B, with muscular dystrophy (EBS5B). Also called: Epidermolysis bullosa simplex with muscular dystrophy; EPIDERMOLYSIS BULLOSA SIMPLEX AND LIMB-GIRDLE MUSCULAR DYSTROPHY. Identifiers: Orphanet 257, MedGen C2931072, MONDO:0009181, OMIM 226670.
Epidermolysis bullosa simplex, Ogna type (EBS5A). Also called: Pidermolysis bullosa simplex 5A, Ogna type; EPIDERMOLYSIS BULLOSA SIMPLEX 5A, OGNA TYPE. Identifiers: Orphanet 79401, MedGen C0432317, MONDO:0007555, OMIM 131950.
Epidermolysis bullosa simplex 5C, with pyloric atresia (EBS5C). Also called: PLEC-Related Epidermolysis Bullosa with Pyloric Atresia; Epidermolysis bullosa simplex with pyloric atresia; PLEC1-Related Epidermolysis Bullosa with Pyloric Atresia. Identifiers: Orphanet 158684, MedGen C2677349, MONDO:0012807, OMIM 612138.
Autosomal recessive limb-girdle muscular dystrophy type 2Q (LGMDR17). Also called: MUSCULAR DYSTROPHY, LIMB-GIRDLE, AUTOSOMAL RECESSIVE 17. Identifiers: Orphanet 254361, MedGen C3150989, MONDO:0013390, OMIM 613723.
Epidermolysis bullosa simplex with nail dystrophy (EBS5D). Identifiers: MedGen C4225309, MONDO:0014661, OMIM 616487.

Allele frequency attached by ClinVar (database versions not stated): gnomAD exomes 0.00002; gnomAD 0.00004; TOPMed 0.00005; ExAC 0.00008; 1000 Genomes Project 30x 0.00016; 1000 Genomes Project 0.00020.
gnomAD v4.1: 35 of 1,588,002 alleles (0.0022%); highest among the groups gnomAD compares: East Asian, 0.0045%; no homozygotes.

Submissions (3):

Revvity Omics, Revvity
Classification: Uncertain significance. Last evaluated: 2024-09-20. Review status: criteria provided, single submitter. Criteria: ACMG Guidelines, 2015. Collection method: clinical testing. Allele origin: germline.

Labcorp Genetics (formerly Invitae), Labcorp
Classification: Uncertain significance for Autosomal recessive limb-girdle muscular dystrophy type 2Q; Epidermolysis bullosa simplex, Ogna type; Epidermolysis bullosa simplex with nail dystrophy; Epidermolysis bullosa simplex 5C, with pyloric atresia; Epidermolysis bullosa simplex 5B, with muscular dystrophy. Last evaluated: 2024-02-25. Review status: criteria provided, single submitter. Criteria: Invitae Variant Classification Sherloc (09022015). Collection method: clinical testing. Allele origin: germline.
Comment: This sequence change replaces arginine, which is basic and polar, with glutamine, which is neutral and polar, at codon 1714 of the PLEC protein (p.Arg1714Gln). This variant is present in population databases (rs563046387, gnomAD 0.02%). This variant has not been reported in the literature in individuals affected with PLEC-related conditions. ClinVar contains an entry for this variant (Variation ID: 1912426). Advanced modeling of protein sequence and biophysical properties (such as structural, functional, and spatial information, amino acid conservation, physicochemical variation, residue mobility, and thermodynamic stability) performed at Invitae indicates that this missense variant is not expected to disrupt PLEC protein function with a negative predictive value of 80%. In summary, the available evidence is currently insufficient to determine the role of this variant in disease. Therefore, it has been classified as a Variant of Uncertain Significance.

Blueprint Genetics
Classification: Uncertain significance. Last evaluated: 2023-12-07. Review status: criteria provided, single submitter. Criteria: ACMG Guidelines, 2015. Collection method: clinical testing. Allele origin: germline.